The following is an entry in ClinVar:

ClinVar aggregate classification (germline): Pathogenic. Review status: criteria provided, multiple submitters, no conflicts (2 of 4 stars). 4 submissions from 4 submitters: Pathogenic (3). 1 of the submissions does not count toward it. Last evaluated 2024-07-16.

Conditions:
RAD51C-related disorder. Also called: RAD51C-related condition; RAD51C-related disorders.
Hereditary cancer-predisposing syndrome. Also called: Neoplastic Syndromes, Hereditary; Hereditary neoplastic syndrome; Tumor predisposition; Hereditary Cancer Syndrome. Identifiers: Orphanet 140162, MedGen C0027672, MeSH D009386, MONDO:0015356.
Breast-ovarian cancer, familial, susceptibility to, 3. Also called: RAD51C-Related Breast/Ovarian Cancer. Identifiers: Orphanet 145, MedGen C3150659, MONDO:0013253, OMIM 613399.
Fanconi anemia complementation group O. Also called: RAD51C-Related Fanconi Anemia. Identifiers: Orphanet 84, MedGen C3150653, MONDO:0013248, OMIM 613390.

Allele frequency attached by ClinVar (database versions not stated): gnomAD exomes below 0.00001.
gnomAD v4.1: 1 of 1,608,030 alleles (0.000062%); highest among the groups gnomAD compares: Non-Finnish European, 0.000085%; no homozygotes.

Submissions (4):

Labcorp Genetics (formerly Invitae), Labcorp
Classification: Pathogenic for Fanconi anemia complementation group O. Last evaluated: 2024-07-16. Review status: criteria provided, single submitter. Criteria: Invitae Variant Classification Sherloc (09022015). Collection method: clinical testing. Allele origin: germline.
Comment: This sequence change creates a premature translational stop signal (p.Tyr209*) in the RAD51C gene. It is expected to result in an absent or disrupted protein product. Loss-of-function variants in RAD51C are known to be pathogenic (PMID: 20400964, 21990120, 24800917, 29278735). This variant is not present in population databases (gnomAD no frequency). This variant has not been reported in the literature in individuals affected with RAD51C-related conditions. Algorithms developed to predict the effect of sequence changes on RNA splicing suggest that this variant may create or strengthen a splice site. For these reasons, this variant has been classified as Pathogenic.

Myriad Genetics, Inc.
Classification: Pathogenic for Breast-ovarian cancer, familial, susceptibility to, 3. Last evaluated: 2024-01-03. Review status: criteria provided, single submitter. Criteria: Myriad Autosomal Dominant, Autosomal Recessive and X-Linked Classification Criteria (2023). Collection method: clinical testing. Allele origin: unknown.
Comment: This variant is considered pathogenic. This variant creates a termination codon and is predicted to result in premature protein truncation.

Ambry Genetics
Classification: Pathogenic for Hereditary cancer-predisposing syndrome. Last evaluated: 2022-12-13. Review status: criteria provided, single submitter. Criteria: Ambry Variant Classification Scheme 2023. Collection method: clinical testing. Allele origin: germline.
Comment: The p.Y209* pathogenic mutation (also known as c.627T>G), located in coding exon 4 of the RAD51C gene, results from a T to G substitution at nucleotide position 627. This changes the amino acid from a tyrosine to a stop codon within coding exon 4. This variant is considered to be rare based on population cohorts in the Genome Aggregation Database (gnomAD). This alteration is expected to result in loss of function by premature protein truncation or nonsense-mediated mRNA decay; however, direct evidence is insufficient at this time (Ambry internal data). As such, this alteration is interpreted as a disease-causing mutation.

PreventionGenetics, part of Exact Sciences
Classification: Likely pathogenic for RAD51C-related condition. Last evaluated: 2024-03-20. Review status: no assertion criteria provided. Collection method: clinical testing. Allele origin: germline. Not counted in ClinVar's aggregate classification.
Comment: The RAD51C c.627T>G variant is predicted to result in premature protein termination (p.Tyr209*). To our knowledge, this variant has not been reported in the literature or in a large population database, indicating this variant is rare. Nonsense variants in RAD51C are expected to be pathogenic. This variant is interpreted as likely pathogenic.

Literature cited by the submitters: PubMed 20400964 (cited by Labcorp Genetics (formerly Invitae), Labcorp); PubMed 21990120 (cited by Labcorp Genetics (formerly Invitae), Labcorp); PubMed 24800917 (cited by Labcorp Genetics (formerly Invitae), Labcorp); PubMed 29278735 (cited by Labcorp Genetics (formerly Invitae), Labcorp).

NM_058216.3(RAD51C):c.627T>G (p.Tyr209Ter)

Genes: RAD51C (RAD51 paralog C; plus strand), LOC129390903 (MPRA-validated peak2919 silencer; plus strand). Cytogenetic location: 17q22.
Variant type: single nucleotide variant.
Coding change: c.627T>G on transcript NM_058216.3 (MANE Select); coding-DNA position 627, T replaced by G.
Protein change: p.Tyr209Ter; replaces tyrosine 209 with a stop codon.
Molecular consequence: nonsense. On other transcripts: non-coding transcript variant (1).
Genome position (GRCh38, 1-based): chr17:58,703,251, T>G. VCF-style: chr17-58703251-T-G. GRCh37 (hg19) VCF-style: chr17-56780612-T-G.
Other names: c.627T>G (NM_058216.2); c.*55T>G (NM_058217.1); short protein forms Y209*.
Identifiers: ClinVar variation 2705286 (VCV002705286.5), dbSNP rs2509299617, ClinGen allele CA400349446.